The following is an entry in ClinVar:

NM_017934.7(PHIP):c.1210T>C (p.Leu404=)

Gene: PHIP (PHIP subunit of CUL4-Ring ligase complex; minus strand). Cytogenetic location: 6q14.1.
Variant type: single nucleotide variant.
Coding change: c.1210T>C on transcript NM_017934.7 (MANE Select); coding-DNA position 1210, T replaced by C.
Protein change: p.Leu404=; no amino-acid change (leucine 404 retained).
Molecular consequence: synonymous variant.
Genome position (GRCh38, 1-based): chr6:79,016,569, A>G on the plus strand (T>C on the coding strand, the complement: PHIP is on the minus strand). VCF-style: chr6-79016569-A-G. GRCh37 (hg19) VCF-style: chr6-79726286-A-G.
Identifiers: ClinVar variation 3356501 (VCV003356501.1).

ClinVar aggregate classification (germline): Likely benign (0 of 4 stars; one submission).

Conditions:
PHIP-related disorder. Also called: PHIP-related condition; PHIP-related disorders.

gnomAD v4.1: 20 of 1,610,536 alleles (0.0012%); highest among the groups gnomAD compares: East Asian, 0.016%; no homozygotes.

Submission:

PreventionGenetics, part of Exact Sciences
Classification: Likely benign for PHIP-related condition. Last evaluated: 2024-01-30. Review status: no assertion criteria provided. Collection method: clinical testing. Allele origin: germline.
Comment: This variant is classified as likely benign based on ACMG/AMP sequence variant interpretation guidelines (Richards et al. 2015 PMID: 25741868, with internal and published modifications).